The following is an entry in ClinVar:

NM_001958.5(EEF1A2):c.145-8C>T

Gene: EEF1A2 (eukaryotic translation elongation factor 1 alpha 2; minus strand). Cytogenetic location: 20q13.33.
Variant type: single nucleotide variant.
Coding change: c.145-8C>T on transcript NM_001958.5 (MANE Select); 8 bases into the intron before coding-DNA position 145, C replaced by T.
Molecular consequence: intron variant.
Genome position (GRCh38, 1-based): chr20:63,496,043, G>A on the plus strand (C>T on the coding strand, the complement: EEF1A2 is on the minus strand). VCF-style: chr20-63496043-G-A. GRCh37 (hg19) VCF-style: chr20-62127396-G-A.
Identifiers: ClinVar variation 1533128 (VCV001533128.11), dbSNP rs554786640, ClinGen allele CA9959172.
Genomic context (GRCh38, chr20:63,496,043, plus strand): 5'-TCCGCCTTCAGCTTGTCCAGCACCCAGGCATACTTGAAGGATCCCTTCCCCATCTGGAGC[G>A]GGTGAGGGTCACGGCTGAGGGCGGGACCCGGGACCCAGGAGTCCCTGGTGGTGCGAGCTG-3'

ClinVar aggregate classification (germline): Likely benign. Review status: criteria provided, multiple submitters, no conflicts (2 of 4 stars). 3 submissions from 3 submitters: Likely benign (3). Last evaluated 2026-08-01.

Conditions:
Developmental and epileptic encephalopathy, 33 (DEE33). Also called: Epileptic encephalopathy, early infantile, 33. Identifiers: Orphanet 442835, MedGen C4225337, MONDO:0014625, OMIM 616409.

Allele frequency attached by ClinVar (database versions not stated): 1000 Genomes Project 0.00020; gnomAD 0.00006 and 0.00007; ExAC 0.00008; TOPMed 0.00010; 1000 Genomes Project 30x 0.00016.
gnomAD v4.1: 62 of 1,612,272 alleles (0.0038%); highest among the groups gnomAD compares: East Asian, 0.02%; no homozygotes.

Submissions (3):

CeGaT Center for Human Genetics Tuebingen
Classification: Likely benign. Last evaluated: 2026-08-01. Review status: criteria provided, single submitter. Criteria: CeGaT Center For Human Genetics Tuebingen Variant Classification Criteria Version 2. Collection method: clinical testing. Allele origin: germline. Affected: yes. Observed: 2 variant alleles.
Comment: EEF1A2: BP4

Labcorp Genetics (formerly Invitae), Labcorp
Classification: Likely benign for Developmental and epileptic encephalopathy, 33. Last evaluated: 2026-01-28. Review status: criteria provided, single submitter. Criteria: Invitae Variant Classification Sherloc (09022015). Collection method: clinical testing. Allele origin: germline.

Blueprint Genetics
Classification: Likely benign. Last evaluated: 2024-05-08. Review status: criteria provided, single submitter. Criteria: ACMG Guidelines, 2015. Collection method: clinical testing. Allele origin: germline.